The following is an entry in ClinVar:

NR_130914.1(LINC01949):n.469G>T

Genes: LINC01949 (long independently transcribed non-coding RNA 1949; minus strand), LOC101929380 (uncharacterized LOC101929380; plus strand). Cytogenetic location: 5q14.3.
Variant type: single nucleotide variant.
Molecular consequence: non-coding transcript variant (on NR_130914.1).
Genome position: GRCh38 VCF-style: chr5-87218164-C-A. GRCh37 (hg19) VCF-style: chr5-86513981-C-A.
Identifiers: ClinVar variation 4822733 (VCV004822733.4).
Genomic context (GRCh38, chr5:87,218,164, plus strand): 5'-TCCCTTGGCTAGGGGAGGGAGTTCCCTGACCCCTTGCGCTTCCCGGGTGAGGCAACACCC[C>A]ACCCTGCTTCTGCTTGCCTTCTGTGGGCTGCACCCACTGTCTAACCAGTCCCAATGAGAT-3'

ClinVar aggregate classification (germline): Likely benign (1 of 4 stars; one submission).

Submission:

CeGaT Center for Human Genetics Tuebingen
Classification: Likely benign. Last evaluated: 2026-03-01. Review status: criteria provided, single submitter. Criteria: CeGaT Center For Human Genetics Tuebingen Variant Classification Criteria Version 2. Collection method: clinical testing. Allele origin: germline. Affected: yes. Observed: 2 variant alleles.
Comment: AC008394.1: PM2:Supporting, BP4, BP7